The following is an entry in ClinVar:

NM_052859.4(RFT1):c.1433G>C (p.Ser478Thr)

Gene: RFT1 (RFT1 glycolipid translocator homolog; minus strand). Cytogenetic location: 3p21.1.
Variant type: single nucleotide variant.
Coding change: c.1433G>C on transcript NM_052859.4 (MANE Select); coding-DNA position 1433, G replaced by C.
Protein change: p.Ser478Thr; replaces serine 478 with threonine.
Molecular consequence: missense variant.
Genome position (GRCh38, 1-based): chr3:53,092,394, C>G on the plus strand (G>C on the coding strand, the complement: RFT1 is on the minus strand). VCF-style: chr3-53092394-C-G. GRCh37 (hg19) VCF-style: chr3-53126410-C-G.
Other names: c.1433G>C (NM_052859.3); short protein forms S478T.
Identifiers: ClinVar variation 2082256 (VCV002082256.4), dbSNP rs992848842, ClinGen allele CA74822729.

ClinVar aggregate classification (germline): Uncertain significance. Review status: criteria provided, multiple submitters, no conflicts (2 of 4 stars). 2 submissions from 2 submitters: Uncertain significance (2). Last evaluated 2024-12-13.

Conditions:
Inborn genetic diseases. Identifiers: MedGen C0950123, MeSH D030342.
RFT1-congenital disorder of glycosylation (CDG1N). Also called: CDG In; RFT1-CDG; Congenital disorder of glycosylation type In. Identifiers: Orphanet 244310, MedGen C2677590, MONDO:0012783, OMIM 612015.

gnomAD v4.1: 2 of 1,604,746 alleles (0.00012%); highest among the groups gnomAD compares: Non-Finnish European, 0.00017%; no homozygotes.

Submissions (2):

Ambry Genetics
Classification: Uncertain significance for Inborn genetic diseases. Last evaluated: 2024-12-13. Review status: criteria provided, single submitter. Criteria: Ambry Variant Classification Scheme 2023. Collection method: clinical testing. Allele origin: germline.

Labcorp Genetics (formerly Invitae), Labcorp
Classification: Uncertain significance for RFT1-congenital disorder of glycosylation. Last evaluated: 2023-11-27. Review status: criteria provided, single submitter. Criteria: Invitae Variant Classification Sherloc (09022015). Collection method: clinical testing. Allele origin: germline.
Comment: This sequence change replaces serine, which is neutral and polar, with threonine, which is neutral and polar, at codon 478 of the RFT1 protein (p.Ser478Thr). This variant is not present in population databases (gnomAD no frequency). This variant has not been reported in the literature in individuals affected with RFT1-related conditions. ClinVar contains an entry for this variant (Variation ID: 2082256). Advanced modeling of protein sequence and biophysical properties (such as structural, functional, and spatial information, amino acid conservation, physicochemical variation, residue mobility, and thermodynamic stability) performed at Invitae indicates that this missense variant is not expected to disrupt RFT1 protein function with a negative predictive value of 80%. In summary, the available evidence is currently insufficient to determine the role of this variant in disease. Therefore, it has been classified as a Variant of Uncertain Significance.